The following is an entry in ClinVar:

NM_015346.4(ZFYVE26):c.130G>T (p.Gly44Trp)

Gene: ZFYVE26 (zinc finger FYVE-type containing 26; minus strand). Cytogenetic location: 14q24.1.
Variant type: single nucleotide variant.
Coding change: c.130G>T on transcript NM_015346.4 (MANE Select); coding-DNA position 130, G replaced by T.
Protein change: p.Gly44Trp; replaces glycine 44 with tryptophan.
Molecular consequence: missense variant.
Genome position (GRCh38, 1-based): chr14:67,815,834, C>A on the plus strand (G>T on the coding strand, the complement: ZFYVE26 is on the minus strand). VCF-style: chr14-67815834-C-A. GRCh37 (hg19) VCF-style: chr14-68282551-C-A.
Other names: short protein forms G44W.
Identifiers: ClinVar variation 2129670 (VCV002129670.1), dbSNP rs2502897805, ClinGen allele CA390164497.
Genomic context (GRCh38, chr14:67,815,834, plus strand): 5'-GCAGATTTGGACACACCACCAATGCCTGAAGTATGTCTTCTACCCTCTTTGGGATATCCC[C>A]TTGTCCCTCCTGTAGCTGAGGTACACATGCCTGTGCCAGCTCCCATTCTCCCCTCCGCAG-3'
Protein context (NP_056161.2, residues 34-54): ACVPQLQEGQ[Gly44Trp]DIPKRVEDIL

ClinVar aggregate classification (germline): Uncertain significance (1 of 4 stars; one submission).

Conditions:
Spastic paraplegia. Identifiers: MedGen C0037772, HP:0001258.

Allele frequency attached by ClinVar (database versions not stated): gnomAD exomes below 0.00001.
gnomAD v4.1: 1 of 1,614,138 alleles (0.000062%); highest among the groups gnomAD compares: South Asian, 0.0011%; no homozygotes.

Submission:

Labcorp Genetics (formerly Invitae), Labcorp
Classification: Uncertain significance for Spastic paraplegia. Last evaluated: 2022-04-23. Review status: criteria provided, single submitter. Criteria: Invitae Variant Classification Sherloc (09022015). Collection method: clinical testing. Allele origin: germline.
Comment: This sequence change replaces glycine, which is neutral and non-polar, with tryptophan, which is neutral and slightly polar, at codon 44 of the ZFYVE26 protein (p.Gly44Trp). This variant is not present in population databases (gnomAD no frequency). This variant has not been reported in the literature in individuals affected with ZFYVE26-related conditions. Algorithms developed to predict the effect of missense changes on protein structure and function (SIFT, PolyPhen-2, Align-GVGD) all suggest that this variant is likely to be disruptive. In summary, the available evidence is currently insufficient to determine the role of this variant in disease. Therefore, it has been classified as a Variant of Uncertain Significance.